The following is an entry in ClinVar:

NM_000512.5(GALNS):c.971C>A (p.Ala324Glu)

Gene: GALNS (galactosamine (N-acetyl)-6-sulfatase; minus strand). Cytogenetic location: 16q24.3.
Variant type: single nucleotide variant.
Coding change: c.971C>A on transcript NM_000512.5 (MANE Select); coding-DNA position 971, C replaced by A.
Protein change: p.Ala324Glu; replaces alanine 324 with glutamic acid.
Molecular consequence: missense variant.
Genome position (GRCh38, 1-based): chr16:88,832,029, G>T on the plus strand (C>A on the coding strand, the complement: GALNS is on the minus strand). VCF-style: chr16-88832029-G-T. GRCh37 (hg19) VCF-style: chr16-88898437-G-T.
Other names: c.416C>A, p.Ala139Glu (NM_001323543.2); c.989C>A, p.Ala330Glu (NM_001323544.2); short protein forms A139E, A324E, A330E.
Identifiers: ClinVar variation 1048315 (VCV001048315.3), dbSNP rs2142999148, ClinGen allele CA397101118.

ClinVar aggregate classification (germline): Uncertain significance (1 of 4 stars; one submission).

Conditions:
Mucopolysaccharidosis, MPS-IV-A (MPS4A). Also called: Mucopolysaccharidosis type IV A; Mucopolysaccharidosis Type IVA; Morquio syndrome A, mild; MORQUIO SYNDROME A; MPS IVA; mucopolysaccharidosis type 4A. Identifiers: Orphanet 309297, Orphanet 582, MedGen C0086651, MONDO:0009659, OMIM 253000.

Submission:

Laboratory of Diagnosis and Therapy of Lysosomal Disorders, University of Padova
Classification: Uncertain significance for Mucopolysaccharidosis, MPS-IV-A. Last evaluated: 2021-02-01. Review status: criteria provided, single submitter. Criteria: ACMG Guidelines, 2015. Collection method: research. Allele origin: germline. Affected: yes.
Comment: Absent from gnomAD v2.1.1 (PM2_moderate); multiple lines of computational evidence support a deleterious effect on the gene (PP3_supporting)

Literature cited by the submitters: PubMed 20574428; PubMed 24120057; PubMed 34387910.